The following is an entry in ClinVar:

ClinVar aggregate classification (germline): Uncertain significance (1 of 4 stars; one submission).

Conditions:
Hereditary nonpolyposis colorectal neoplasms. Identifiers: MedGen C0009405, MeSH D003123.

Submission:

Labcorp Genetics (formerly Invitae), Labcorp
Classification: Uncertain significance for Hereditary nonpolyposis colorectal neoplasms. Last evaluated: 2025-08-21. Review status: criteria provided, single submitter. Criteria: Invitae Variant Classification Sherloc (09022015). Collection method: clinical testing. Allele origin: germline.
Comment: This sequence change replaces threonine, which is neutral and polar, with lysine, which is basic and polar, at codon 716 of the MSH6 protein (p.Thr716Lys). This variant is not present in population databases (gnomAD no frequency). This variant has not been reported in the literature in individuals affected with MSH6-related conditions. ClinVar contains an entry for this variant (Variation ID: 2769505). Invitae Evidence Modeling of protein sequence and biophysical properties (such as structural, functional, and spatial information, amino acid conservation, physicochemical variation, residue mobility, and thermodynamic stability) indicates that this missense variant is not expected to disrupt MSH6 protein function with a negative predictive value of 95%. In summary, the available evidence is currently insufficient to determine the role of this variant in disease. Therefore, it has been classified as a Variant of Uncertain Significance.

NM_000179.3(MSH6):c.2147C>A (p.Thr716Lys)

Gene: MSH6 (mutS homolog 6; plus strand). Cytogenetic location: 2p16.3.
Variant type: single nucleotide variant.
Coding change: c.2147C>A on transcript NM_000179.3 (MANE Select); coding-DNA position 2147, C replaced by A.
Protein change: p.Thr716Lys; replaces threonine 716 with lysine.
Molecular consequence: missense variant. On other transcripts: non-coding transcript variant (5), intron variant (2).
Genome position (GRCh38, 1-based): chr2:47,800,130, C>A. VCF-style: chr2-47800130-C-A. GRCh37 (hg19) VCF-style: chr2-48027269-C-A.
Other names: c.1241C>A, p.Thr414Lys (NM_001281494.2, NM_001406814.1, NM_001406815.1 and 6 more transcripts); c.2243C>A, p.Thr748Lys (NM_001406795.1, NM_001406802.1); c.2147C>A, p.Thr716Lys (NM_001406796.1, NM_001406798.1, NM_001406800.1 and 3 more transcripts); c.1850C>A, p.Thr617Lys (NM_001406797.1, NM_001406801.1, NM_001406818.1 and 10 more transcripts); c.1622C>A, p.Thr541Lys (NM_001406799.1, NM_001406806.1, NM_001406807.1); c.1757C>A, p.Thr586Lys (NM_001281492.2); c.2069C>A, p.Thr690Lys (NM_001406804.1); c.2153C>A, p.Thr718Lys (NM_001406813.1); and 3 more; short protein forms T690K, T716K, T586K, T617K, T660K, T718K, T748K, T414K.
Identifiers: ClinVar variation 2769505 (VCV002769505.3), dbSNP rs587782805, ClinGen allele CA346751099.